The following is an entry in ClinVar:

NM_014846.4(WASHC5):c.3004T>A (p.Tyr1002Asn)

Gene: WASHC5 (WASH complex subunit 5; minus strand). Cytogenetic location: 8q24.13.
Variant type: single nucleotide variant.
Coding change: c.3004T>A on transcript NM_014846.4 (MANE Select); coding-DNA position 3004, T replaced by A.
Protein change: p.Tyr1002Asn; replaces tyrosine 1002 with asparagine.
Molecular consequence: missense variant.
Genome position (GRCh38, 1-based): chr8:125,038,910, A>T on the plus strand (T>A on the coding strand, the complement: WASHC5 is on the minus strand). VCF-style: chr8-125038910-A-T. GRCh37 (hg19) VCF-style: chr8-126051152-A-T.
Other names: c.2560T>A, p.Tyr854Asn (NM_001330609.2); short protein forms Y1002N, Y854N.
Identifiers: ClinVar variation 1314905 (VCV001314905.2), dbSNP rs746633398, ClinGen allele CA4873348.
Genomic context (GRCh38, chr8:125,038,910, plus strand): 5'-TGCCAGCTGCCTCCAGATAGGCTGTGATTTCATATAAAAGTGTGTTATCTTCTTTGGGGT[A>T]AGGAAGTGAAGGGTCCTGATAGTGGGCTTCAATGTCTGCTAGGAGAGCCCTAAAGGAAGA-3'
Protein context (NP_055661.3, residues 992-1012): EAHYQDPSLP[Tyr1002Asn]PKEDNTLLYE

ClinVar aggregate classification (germline): Uncertain significance (1 of 4 stars; one submission).

Allele frequency attached by ClinVar (database versions not stated): gnomAD exomes below 0.00001 and 0.00006; ExAC 0.00001; gnomAD 0.00001; TOPMed 0.00001.
gnomAD v4.1: 96 of 1,613,906 alleles (0.0059%); highest among the groups gnomAD compares: Non-Finnish European, 0.0078%; no homozygotes.

Submission:

GeneDx
Classification: Uncertain significance. Last evaluated: 2021-04-27. Review status: criteria provided, single submitter. Criteria: GeneDx Variant Classification Process June 2021. Collection method: clinical testing. Allele origin: germline. Affected: yes.
Comment: Not observed at a significant frequency in large population cohorts (Lek et al., 2016); In silico analysis supports that this missense variant has a deleterious effect on protein structure/function; Has not been previously published as pathogenic or benign to our knowledge